The following is an entry in ClinVar:

ClinVar aggregate classification (germline): Pathogenic (1 of 4 stars; one submission).

Conditions:
Inborn genetic diseases. Identifiers: MedGen C0950123, MeSH D030342.

Allele frequency attached by ClinVar (database versions not stated): ExAC 0.00001; gnomAD 0.00001.

Submission:

Ambry Genetics
Classification: Pathogenic for Inborn genetic diseases. Last evaluated: 2022-11-08. Review status: criteria provided, single submitter. Criteria: Ambry Variant Classification Scheme 2023. Collection method: clinical testing. Allele origin: germline.
Comment: The c.1228C>T (p.R410*) alteration, located in exon 2 (coding exon 2) of the CDK13 gene, consists of a C to T substitution at nucleotide position 1228. This changes the amino acid from a arginine (R) to a stop codon at amino acid position 410. This alteration is expected to result in loss of function by premature protein truncation or nonsense-mediated mRNA decay. Based on the available evidence, this alteration is classified as pathogenic.

NM_003718.5(CDK13):c.1228C>T (p.Arg410Ter)

Gene: CDK13 (cyclin dependent kinase 13; plus strand). Cytogenetic location: 7p14.1.
Variant type: single nucleotide variant.
Coding change: c.1228C>T on transcript NM_003718.5 (MANE Select); coding-DNA position 1228, C replaced by T.
Protein change: p.Arg410Ter; replaces arginine 410 with a stop codon.
Molecular consequence: nonsense.
Genome position (GRCh38, 1-based): chr7:39,987,615, C>T. VCF-style: chr7-39987615-C-T. GRCh37 (hg19) VCF-style: chr7-40027214-C-T.
Other names: c.1228C>T, p.Arg410Ter (NM_031267.4); short protein forms R410*.
Identifiers: ClinVar variation 2314381 (VCV002314381.2), dbSNP rs760503314, ClinGen allele CA4228457.